The following is an entry in ClinVar:

NM_024537.4(CARS2):c.276-208A>G

Gene: CARS2 (cysteinyl-tRNA synthetase 2, mitochondrial; minus strand). Cytogenetic location: 13q34.
Variant type: single nucleotide variant.
Coding change: c.276-208A>G on transcript NM_024537.4 (MANE Select); 208 bases into the intron before coding-DNA position 276, A replaced by G.
Molecular consequence: intron variant.
Genome position (GRCh38, 1-based): chr13:110,701,763, T>C on the plus strand (A>G on the coding strand, the complement: CARS2 is on the minus strand). VCF-style: chr13-110701763-T-C. GRCh37 (hg19) VCF-style: chr13-111354110-T-C.
Other names: c.-724-208A>G (NM_001352252.2); c.276-208A>G (NM_001352253.3).
Identifiers: ClinVar variation 683447 (VCV000683447.1), dbSNP rs9555724, ClinGen allele CA13892143.
Genomic context (GRCh38, chr13:110,701,763, plus strand): 5'-CCTCTCACTGATGGCACCAGGGCCTGCGCCACAAGGGTTCTCAGGAGAAACTGACAAAGG[T>C]ATTGCATCAATTTCAGGACACAATATTAGCATTTTTAATTTTGGAGTTGTTGCTTAAGTG-3'

ClinVar aggregate classification (germline): Benign (1 of 4 stars; one submission).

Allele frequency attached by ClinVar (database versions not stated): 1000 Genomes Project 30x 0.56980; 1000 Genomes Project 0.57847; TOPMed 0.58582; gnomAD 0.58991 and 0.59869.
gnomAD v4.1: 91,148 of 152,098 alleles (60%); highest among the groups gnomAD compares: Non-Finnish European, 74%; 30,225 homozygotes.

Submission:

GeneDx
Classification: Benign. Last evaluated: 2018-06-14. Review status: criteria provided, single submitter. Criteria: GeneDx Variant Classification (06012015). Collection method: clinical testing. Allele origin: germline. Affected: yes.
Comment: This variant is considered likely benign or benign based on one or more of the following criteria: it is a conservative change, it occurs at a poorly conserved position in the protein, it is predicted to be benign by multiple in silico algorithms, and/or has population frequency not consistent with disease.